The following is an entry in ClinVar:

ClinVar aggregate classification (germline): Benign (0 of 4 stars; one submission).

Conditions:
CRISPLD2-related disorder. Also called: CRISPLD2-related condition.

Allele frequency attached by ClinVar (database versions not stated): 1000 Genomes Project 0.04253; ESP Exome Variant Server 0.04370; TOPMed 0.04423; 1000 Genomes Project 30x 0.04482.
gnomAD v4.1: 12,190 of 1,605,798 alleles (0.76%); highest among the groups gnomAD compares: African/African-American, 14%; 686 homozygotes.

Submission:

PreventionGenetics, part of Exact Sciences
Classification: Benign for CRISPLD2-related condition. Last evaluated: 2019-02-19. Review status: no assertion criteria provided. Collection method: clinical testing. Allele origin: germline.
Comment: This variant is classified as benign based on ACMG/AMP sequence variant interpretation guidelines (Richards et al. 2015 PMID: 25741868, with internal and published modifications).

NM_031476.4(CRISPLD2):c.709+7A>G

Gene: CRISPLD2 (cysteine rich secretory protein LCCL domain containing 2; plus strand). Cytogenetic location: 16q24.1.
Variant type: single nucleotide variant.
Coding change: c.709+7A>G on transcript NM_031476.4 (MANE Select); 7 bases into the intron after coding-DNA position 709, A replaced by G.
Molecular consequence: intron variant.
Genome position (GRCh38, 1-based): chr16:84,854,836, A>G. VCF-style: chr16-84854836-A-G. GRCh37 (hg19) VCF-style: chr16-84888442-A-G.
Identifiers: ClinVar variation 3056972 (VCV003056972.2), dbSNP rs2646128, ClinGen allele CA8211665.